The following is an entry in ClinVar:

ClinVar aggregate classification (germline): Likely pathogenic (1 of 4 stars; one submission).

Conditions:
Acute infantile liver failure due to synthesis defect of mtDNA-encoded proteins. Also called: Liver failure acute infantile; LIVER FAILURE, INFANTILE, TRANSIENT; TRMU Deficiency. Identifiers: Orphanet 217371, MedGen C3278664, MONDO:0013111, OMIM 613070.

Submission:

Natera, Inc.
Classification: Likely pathogenic for Acute infantile liver failure due to synthesis defect of mtDNA-encoded proteins. Last evaluated: 2025-12-22. Review status: criteria provided, single submitter. Criteria: Natera Variant Classification Schema (03/2026). Collection method: clinical testing. Allele origin: germline.
Comment: The c.832del variant in TRMU is a frameshift variant predicted to shift the reading frame beginning at codon 278 and leads to a stop codon 28 codons downstream. This variant is expected to result in nonsense mediated decay, truncation, or a dysfunctional protein product. This variant is rare in the general population with a frequency below the threshold expected for the associated phenotype(s). Given the available evidence, this variant is classified as Likely Pathogenic.

NM_018006.5(TRMU):c.832del (p.Tyr278fs)

Gene: TRMU (tRNA mitochondrial 2-thiouridylase; plus strand). Cytogenetic location: 22q13.31.
Variant type: Deletion.
Coding change: c.832del on transcript NM_018006.5 (MANE Select); coding-DNA position 832, one base deleted (T; older notation c.832delT).
Protein change: p.Tyr278fs; shifts the reading frame from tyrosine 278.
Molecular consequence: frameshift variant. On other transcripts: non-coding transcript variant (2).
Genome position (GRCh38, 1-based): chr22:46,353,826, T deleted. VCF-style (leftmost placement, unchanged base first): chr22-46353825-GT-G. GRCh37 (hg19) VCF-style: chr22-46749722-GT-G.
Other names: c.490del, p.Tyr164fs (NM_001282782.2); c.412del, p.Tyr138fs (NM_001282783.2, NM_001282784.2); c.832del, p.Tyr278fs (NM_001282785.2); short protein forms Y138fs, Y164fs, Y278fs.
Identifiers: ClinVar variation 4816002 (VCV004816002.1).